The following is an entry in ClinVar:

NM_000059.4(BRCA2):c.8814T>C (p.Asp2938=)

Gene: BRCA2 (BRCA2 DNA repair associated; plus strand). Cytogenetic location: 13q13.1.
Variant type: single nucleotide variant.
Coding change: c.8814T>C on transcript NM_000059.4 (MANE Select); coding-DNA position 8814, T replaced by C.
Protein change: p.Asp2938=; no amino-acid change (aspartic acid 2938 retained).
Molecular consequence: synonymous variant.
Genome position (GRCh38, 1-based): chr13:32,379,376, T>C. VCF-style: chr13-32379376-T-C. GRCh37 (hg19) VCF-style: chr13-32953513-T-C.
Identifiers: ClinVar variation 427487 (VCV000427487.15), dbSNP rs749387616, ClinGen allele CA6941301.
Genomic context (GRCh38, chr13:32,379,376, plus strand): 5'-GGGTTATTTCAGTGAAGAGCAGTTAAGAGCCTTGAATAATCACAGGCAAATGTTGAATGA[T>C]AAGAAACAAGCTCAGATCCAGTTGGAAATTAGGAAGGCCATGGAATCTGCTGAACAAAAG-3'
Protein context (NP_000050.3, residues 2928-2948): ALNNHRQMLN[Asp2938=]KKQAQIQLEI

ClinVar aggregate classification (germline): Likely benign. Review status: reviewed by expert panel (3 of 4 stars). 4 submissions from 4 submitters: Likely benign (1). 3 of the submissions do not count toward it. Last evaluated 2017-06-29.

Conditions:
Hereditary cancer-predisposing syndrome. Also called: Hereditary neoplastic syndrome; Hereditary Cancer Syndrome; Neoplastic Syndromes, Hereditary; Tumor predisposition. Identifiers: Orphanet 140162, MedGen C0027672, MeSH D009386, MONDO:0015356.
Breast-ovarian cancer, familial, susceptibility to, 2 (BROVCA2). Also called: BRCA2 Hereditary Breast and Ovarian Cancer. Identifiers: Orphanet 145, MedGen C2675520, MONDO:0012933, OMIM 612555. Disease mechanism: loss of function.
Hereditary breast ovarian cancer syndrome. Also called: Hereditary breast and ovarian cancer syndrome; BRCA1- and BRCA2-Associated Hereditary Breast and Ovarian Cancer; Hereditary breast and/or ovarian cancer syndrome; Hereditary breast and ovarian cancer; Breast and ovarian cancer; Hereditary breast and ovarian cancer syndrome (HBOC). Identifiers: Orphanet 145, MedGen C0677776, MeSH D061325, MONDO:0003582. Disease mechanism: loss of function.

Allele frequency attached by ClinVar (database versions not stated): gnomAD exomes below 0.00001; ExAC 0.00001.

Submissions (4):

Evidence-based Network for the Interpretation of Germline Mutant Alleles (ENIGMA)
Classification: Likely benign for Breast-ovarian cancer, familial, susceptibility to, 2. Last evaluated: 2017-06-29. Review status: reviewed by expert panel. Criteria: ENIGMA BRCA1/2 Classification Criteria (2017-06-29). Collection method: curation. Allele origin: germline.
Comment: Synonymous substitution variant, with low bioinformatic likelihood to result in a splicing aberration (Splicing prior probability 0.02).

Center for Genomic Medicine, Rigshospitalet, Copenhagen University Hospital
Classification: Likely benign. Last evaluated: 2025-12-29. Review status: criteria provided, single submitter. Criteria: ACMG Guidelines, 2015. Collection method: clinical testing. Allele origin: germline. Not counted in ClinVar's aggregate classification.
Comment: Classification criteria: BP4, BP7

Labcorp Genetics (formerly Invitae), Labcorp
Classification: Likely benign for Hereditary breast ovarian cancer syndrome. Last evaluated: 2025-02-17. Review status: criteria provided, single submitter. Criteria: Invitae Variant Classification Sherloc (09022015). Collection method: clinical testing. Allele origin: germline. Not counted in ClinVar's aggregate classification.

Ambry Genetics
Classification: Likely benign for Hereditary cancer-predisposing syndrome. Last evaluated: 2021-08-14. Review status: criteria provided, single submitter. Criteria: Ambry Variant Classification Scheme 2023. Collection method: clinical testing. Allele origin: germline. Not counted in ClinVar's aggregate classification.